The following is an entry in ClinVar:

ClinVar aggregate classification (germline): Uncertain significance (0 of 4 stars; one submission).

Conditions:
SEMA3C-related disorder. Also called: SEMA3C-related condition.

Submission:

PreventionGenetics, part of Exact Sciences
Classification: Uncertain significance for SEMA3C-related condition. Last evaluated: 2024-08-29. Review status: no assertion criteria provided. Collection method: clinical testing. Allele origin: germline.
Comment: The SEMA3C c.1013T>C variant is predicted to result in the amino acid substitution p.Leu338Pro. To our knowledge, this variant has not been reported in the literature or in a large population database, indicating this variant is rare. At this time, the clinical significance of this variant is uncertain due to the absence of conclusive functional and genetic evidence.

NM_006379.5(SEMA3C):c.959T>C (p.Leu320Pro)

Gene: SEMA3C (semaphorin 3C; minus strand). Cytogenetic location: 7q21.11.
Variant type: single nucleotide variant.
Coding change: c.959T>C on transcript NM_006379.5 (MANE Select); coding-DNA position 959, T replaced by C.
Protein change: p.Leu320Pro; replaces leucine 320 with proline.
Molecular consequence: missense variant.
Genome position (GRCh38, 1-based): chr7:80,800,784, A>G on the plus strand (T>C on the coding strand, the complement: SEMA3C is on the minus strand). VCF-style: chr7-80800784-A-G. GRCh37 (hg19) VCF-style: chr7-80430100-A-G.
Other names: c.1013T>C, p.Leu338Pro (NM_001350120.2); c.785T>C, p.Leu262Pro (NM_001350121.2); short protein forms L262P, L320P, L338P.
Identifiers: ClinVar variation 3354527 (VCV003354527.1).